The following is an entry in ClinVar:

ClinVar aggregate classification (germline): Uncertain significance (1 of 4 stars; one submission).

Submission:

CeGaT Center for Human Genetics Tuebingen
Classification: Uncertain significance. Last evaluated: 2024-03-01. Review status: criteria provided, single submitter. Criteria: CeGaT Center For Human Genetics Tuebingen Variant Classification Criteria Version 2. Collection method: clinical testing. Allele origin: germline. Affected: yes. Observed: 1 variant allele.
Comment: ASH1L: PM2

NM_018489.3(ASH1L):c.1568C>T (p.Pro523Leu)

Gene: ASH1L (ASH1 like histone lysine methyltransferase; minus strand). Cytogenetic location: 1q22.
Variant type: single nucleotide variant.
Coding change: c.1568C>T on transcript NM_018489.3 (MANE Select); coding-DNA position 1568, C replaced by T.
Protein change: p.Pro523Leu; replaces proline 523 with leucine.
Molecular consequence: missense variant.
Genome position (GRCh38, 1-based): chr1:155,481,302, G>A on the plus strand (C>T on the coding strand, the complement: ASH1L is on the minus strand). VCF-style: chr1-155481302-G-A. GRCh37 (hg19) VCF-style: chr1-155451093-G-A.
Other names: c.1568C>T, p.Pro523Leu (NM_001366177.2); short protein forms P523L.
Identifiers: ClinVar variation 3067493 (VCV003067493.21), dbSNP rs2527195311, ClinGen allele CA342732600.